The following is an entry in ClinVar:

NM_013382.7(POMT2):c.1031C>T (p.Thr344Ile)

Gene: POMT2 (protein O-mannosyltransferase 2; minus strand). Cytogenetic location: 14q24.3.
Variant type: single nucleotide variant.
Coding change: c.1031C>T on transcript NM_013382.7 (MANE Select); coding-DNA position 1031, C replaced by T.
Protein change: p.Thr344Ile; replaces threonine 344 with isoleucine.
Molecular consequence: missense variant.
Genome position (GRCh38, 1-based): chr14:77,296,249, G>A on the plus strand (C>T on the coding strand, the complement: POMT2 is on the minus strand). VCF-style: chr14-77296249-G-A. GRCh37 (hg19) VCF-style: chr14-77762592-G-A.
Other names: short protein forms T344I.
Identifiers: ClinVar variation 3629700 (VCV003629700.1).

ClinVar aggregate classification (germline): Uncertain significance (1 of 4 stars; one submission).

gnomAD v4.1: 1 of 1,606,578 alleles (0.000062%); highest among the groups gnomAD compares: Non-Finnish European, 0.000085%; no homozygotes.

Submission:

Women's Health and Genetics/Laboratory Corporation of America, LabCorp
Classification: Uncertain significance. Last evaluated: 2024-11-11. Review status: criteria provided, single submitter. Criteria: LabCorp Variant Classification Summary - May 2015. Collection method: clinical testing. Allele origin: germline.
Comment: Variant summary: POMT2 c.1031C>T (p.Thr344Ile) results in a non-conservative amino acid change located in the MIR domain profile (IPR016093) of the encoded protein sequence. Five of five in-silico tools predict a damaging effect of the variant on protein function. The frequency data for this variant in gnomAD is considered unreliable, as metrics indicate poor data quality at this position. c.1031C>T has been reported in the literature in a compound heterozygous individual affected with Limb-Girdle Muscular Dystrophy, Autosomal Recessive (stergaard_2017). These data do not allow any conclusion about variant significance. To our knowledge, no experimental evidence demonstrating an impact on protein function has been reported. The following publication have been ascertained in the context of this evaluation (PMID: 29175898). No submitters have cited clinical-significance assessments for this variant to ClinVar. Based on the evidence outlined above, the variant was classified as uncertain significance.

Literature cited by the submitters: PubMed 29175898.